The following is an entry in ClinVar:

NM_001378454.1(ALMS1):c.4730C>T (p.Pro1577Leu)

Gene: ALMS1 (ALMS1 centrosome and basal body associated protein; plus strand). Cytogenetic location: 2p13.1.
Variant type: single nucleotide variant.
Coding change: c.4730C>T on transcript NM_001378454.1 (MANE Select); coding-DNA position 4730, C replaced by T.
Protein change: p.Pro1577Leu; replaces proline 1577 with leucine.
Molecular consequence: missense variant.
Genome position (GRCh38, 1-based): chr2:73,451,257, C>T. VCF-style: chr2-73451257-C-T. GRCh37 (hg19) VCF-style: chr2-73678384-C-T.
Other names: c.4733C>T, p.Pro1578Leu (NM_015120.4); short protein forms P1577L, P1578L.
Identifiers: ClinVar variation 2025634 (VCV002025634.3), dbSNP rs148568833, ClinGen allele CA1713752.

ClinVar aggregate classification (germline): Uncertain significance. Review status: criteria provided, multiple submitters, no conflicts (2 of 4 stars). 3 submissions from 3 submitters: Uncertain significance (3). Last evaluated 2025-05-25.

Conditions:
Cardiovascular phenotype. Identifiers: MedGen CN230736.
Alstrom syndrome (ALMS). Identifiers: Orphanet 64, MedGen C0268425, MONDO:0008763, OMIM 203800.

Allele frequency attached by ClinVar (database versions not stated): gnomAD 0.00001; ExAC 0.00003; TOPMed 0.00003.
gnomAD v4.1: 65 of 1,613,740 alleles (0.004%); highest among the groups gnomAD compares: African/African-American, 0.008%; no homozygotes.

Submissions (3):

Ambry Genetics
Classification: Uncertain significance for Cardiovascular phenotype. Last evaluated: 2025-05-25. Review status: criteria provided, single submitter. Criteria: Ambry Variant Classification Scheme 2023. Collection method: clinical testing. Allele origin: germline.
Comment: The p.P1578L variant (also known as c.4733C>T), located in coding exon 8 of the ALMS1 gene, results from a C to T substitution at nucleotide position 4733. The proline at codon 1578 is replaced by leucine, an amino acid with similar properties. This amino acid position is not well conserved in available vertebrate species. In addition, this alteration is predicted to be tolerated by in silico analysis. Based on the available evidence, the clinical significance of this variant remains unclear.

Blueprint Genetics
Classification: Uncertain significance. Last evaluated: 2024-08-09. Review status: criteria provided, single submitter. Criteria: ACMG Guidelines, 2015. Collection method: clinical testing. Allele origin: germline.

Labcorp Genetics (formerly Invitae), Labcorp
Classification: Uncertain significance for Alstrom syndrome. Last evaluated: 2022-08-16. Review status: criteria provided, single submitter. Criteria: Invitae Variant Classification Sherloc (09022015). Collection method: clinical testing. Allele origin: germline.
Comment: This sequence change replaces proline, which is neutral and non-polar, with leucine, which is neutral and non-polar, at codon 1578 of the ALMS1 protein (p.Pro1578Leu). This variant is present in population databases (rs148568833, gnomAD 0.008%). This variant has not been reported in the literature in individuals affected with ALMS1-related conditions. Experimental studies and prediction algorithms are not available or were not evaluated, and the functional significance of this variant is currently unknown. In summary, the available evidence is currently insufficient to determine the role of this variant in disease. Therefore, it has been classified as a Variant of Uncertain Significance.